The following is an entry in ClinVar:

ClinVar aggregate classification (germline): Uncertain significance (1 of 4 stars; one submission).

Conditions:
Early-infantile DEE. Also called: Early infantile epileptic encephalopathy with suppression bursts; Early infantile epileptic encephalopathy; Ohtahara syndrome. Identifiers: Orphanet 1934, MedGen C0393706, MONDO:0800491.

Submission:

Labcorp Genetics (formerly Invitae), Labcorp
Classification: Uncertain significance for Early-infantile DEE. Last evaluated: 2023-06-11. Review status: criteria provided, single submitter. Criteria: Invitae Variant Classification Sherloc (09022015). Collection method: clinical testing. Allele origin: germline.
Comment: This sequence change replaces tryptophan, which is neutral and slightly polar, with cysteine, which is neutral and slightly polar, at codon 106 of the KCNH5 protein (p.Trp106Cys). This variant is not present in population databases (gnomAD no frequency). This variant has not been reported in the literature in individuals affected with KCNH5-related conditions. An algorithm developed to predict the effect of missense changes on protein structure and function (PolyPhen-2) suggests that this variant is likely to be disruptive. In summary, the available evidence is currently insufficient to determine the role of this variant in disease. Therefore, it has been classified as a Variant of Uncertain Significance.

NM_139318.5(KCNH5):c.318G>T (p.Trp106Cys)

Gene: KCNH5 (potassium voltage-gated channel subfamily H member 5; minus strand). Cytogenetic location: 14q23.2.
Variant type: single nucleotide variant.
Coding change: c.318G>T on transcript NM_139318.5 (MANE Select); coding-DNA position 318, G replaced by T.
Protein change: p.Trp106Cys; replaces tryptophan 106 with cysteine.
Molecular consequence: missense variant.
Genome position (GRCh38, 1-based): chr14:63,001,446, C>A on the plus strand (G>T on the coding strand, the complement: KCNH5 is on the minus strand). VCF-style: chr14-63001446-C-A. GRCh37 (hg19) VCF-style: chr14-63468164-C-A.
Other names: c.318G>T, p.Trp106Cys (NM_172375.3); short protein forms W106C.
Identifiers: ClinVar variation 2711939 (VCV002711939.3), dbSNP rs1891009654, ClinGen allele CA390105213.